The following is an entry in ClinVar:

ClinVar aggregate classification (germline): Uncertain significance (1 of 4 stars; one submission).

Submission:

Labcorp Genetics (formerly Invitae), Labcorp
Classification: Uncertain significance. Last evaluated: 2021-05-19. Review status: criteria provided, single submitter. Criteria: Invitae Variant Classification Sherloc (09022015). Collection method: clinical testing. Allele origin: germline.
Comment: In summary, the available evidence is currently insufficient to determine the role of this variant in disease. Therefore, it has been classified as a Variant of Uncertain Significance. Algorithms developed to predict the effect of missense changes on protein structure and function are either unavailable or do not agree on the potential impact of this missense change (SIFT: "Not Available"; PolyPhen-2: "Probably Damaging"; Align-GVGD: "Not Available"). This variant has not been reported in the literature in individuals with UNC80-related conditions. This variant is not present in population databases (ExAC no frequency). This sequence change replaces methionine with arginine at codon 2555 of the UNC80 protein (p.Met2555Arg). The methionine residue is moderately conserved and there is a moderate physicochemical difference between methionine and arginine.

NM_001371986.1(UNC80):c.7862T>G (p.Met2621Arg)

Gene: UNC80 (unc-80 subunit of NALCN channel complex; plus strand). Cytogenetic location: 2q34.
Variant type: single nucleotide variant.
Coding change: c.7862T>G on transcript NM_001371986.1 (MANE Select); coding-DNA position 7862, T replaced by G.
Protein change: p.Met2621Arg; replaces methionine 2621 with arginine.
Molecular consequence: missense variant.
Genome position (GRCh38, 1-based): chr2:209,967,493, T>G. VCF-style: chr2-209967493-T-G. GRCh37 (hg19) VCF-style: chr2-210832217-T-G.
Other names: c.7664T>G, p.Met2555Arg (NM_032504.2); c.7649T>G, p.Met2550Arg (NM_182587.4); short protein forms M2555R, M2550R, M2621R.
Identifiers: ClinVar variation 1420861 (VCV001420861.6), dbSNP rs2125008969, ClinGen allele CA350777219.